The following is an entry in ClinVar:

NM_000180.4(GUCY2D):c.1802C>T (p.Ala601Val)

Gene: GUCY2D (guanylate cyclase 2D, retinal; plus strand). Cytogenetic location: 17p13.1.
Variant type: single nucleotide variant.
Coding change: c.1802C>T on transcript NM_000180.4 (MANE Select); coding-DNA position 1802, C replaced by T.
Protein change: p.Ala601Val; replaces alanine 601 with valine.
Molecular consequence: missense variant.
Genome position (GRCh38, 1-based): chr17:8,012,196, C>T. VCF-style: chr17-8012196-C-T. GRCh37 (hg19) VCF-style: chr17-7915514-C-T.
Other names: short protein forms A601V.
Identifiers: ClinVar variation 2938005 (VCV002938005.3), dbSNP rs749012764, ClinGen allele CA8365902.

ClinVar aggregate classification (germline): Uncertain significance (1 of 4 stars; one submission).

Conditions:
Leber congenital amaurosis 1 (LCA1). Also called: Congenital absence of the rods and cones; Leber's congenital tapetoretinal degeneration; Leber's congenital tapetoretinal dysplasia; AMAUROSIS CONGENITA OF LEBER I; RETINAL BLINDNESS, CONGENITAL. Identifiers: Orphanet 65, MedGen C2931258, MONDO:0008764, OMIM 204000.
Cone-rod dystrophy 6 (CORD6). Also called: Cone dystrophy progressive; RETINAL CONE DYSTROPHY 2. Identifiers: Orphanet 1872, MedGen C1866293, MONDO:0011143, OMIM 601777.

Allele frequency attached by ClinVar (database versions not stated): gnomAD exomes below 0.00001; ExAC 0.00001.

Submission:

Labcorp Genetics (formerly Invitae), Labcorp
Classification: Uncertain significance for Leber congenital amaurosis 1; Cone-rod dystrophy 6. Last evaluated: 2022-12-26. Review status: criteria provided, single submitter. Criteria: Invitae Variant Classification Sherloc (09022015). Collection method: clinical testing. Allele origin: germline.
Comment: This sequence change replaces alanine, which is neutral and non-polar, with valine, which is neutral and non-polar, at codon 601 of the GUCY2D protein (p.Ala601Val). This variant is present in population databases (rs749012764, gnomAD 0.003%). This variant has not been reported in the literature in individuals affected with GUCY2D-related conditions. Advanced modeling of protein sequence and biophysical properties (such as structural, functional, and spatial information, amino acid conservation, physicochemical variation, residue mobility, and thermodynamic stability) performed at Invitae indicates that this missense variant is not expected to disrupt GUCY2D protein function. In summary, the available evidence is currently insufficient to determine the role of this variant in disease. Therefore, it has been classified as a Variant of Uncertain Significance.